The following is an entry in ClinVar:

ClinVar aggregate classification (germline): Uncertain significance (1 of 4 stars; one submission).

Conditions:
Genitopatellar syndrome (GTPTS). Also called: Genitopatellar syndrome (GPS); ABSENT PATELLAE, SCROTAL HYPOPLASIA, RENAL ANOMALIES, FACIAL DYSMORPHISM, AND MENTAL RETARDATION. Identifiers: Orphanet 85201, MedGen C1853566, MONDO:0011640, OMIM 606170.

Submission:

Labcorp Genetics (formerly Invitae), Labcorp
Classification: Uncertain significance for Genitopatellar syndrome. Last evaluated: 2022-08-04. Review status: criteria provided, single submitter. Criteria: Invitae Variant Classification Sherloc (09022015). Collection method: clinical testing. Allele origin: germline.
Comment: This sequence change replaces histidine, which is basic and polar, with tyrosine, which is neutral and polar, at codon 1468 of the KAT6B protein (p.His1468Tyr). This variant is not present in population databases (gnomAD no frequency). This variant has not been reported in the literature in individuals affected with KAT6B-related conditions. Algorithms developed to predict the effect of missense changes on protein structure and function output the following: SIFT: "Tolerated"; PolyPhen-2: "Benign"; Align-GVGD: "Class C0". The tyrosine amino acid residue is found in multiple mammalian species, which suggests that this missense change does not adversely affect protein function. In summary, the available evidence is currently insufficient to determine the role of this variant in disease. Therefore, it has been classified as a Variant of Uncertain Significance.

NM_012330.4(KAT6B):c.4402C>T (p.His1468Tyr)

Gene: KAT6B (lysine acetyltransferase 6B; plus strand). Cytogenetic location: 10q22.2.
Variant type: single nucleotide variant.
Coding change: c.4402C>T on transcript NM_012330.4 (MANE Select); coding-DNA position 4402, C replaced by T.
Protein change: p.His1468Tyr; replaces histidine 1468 with tyrosine.
Molecular consequence: missense variant.
Genome position (GRCh38, 1-based): chr10:75,029,226, C>T. VCF-style: chr10-75029226-C-T. GRCh37 (hg19) VCF-style: chr10-76788984-C-T.
Other names: c.3853C>T, p.His1285Tyr (NM_001256468.2, NM_001370138.1); c.3526C>T, p.His1176Tyr (NM_001256469.2, NM_001370139.1, NM_001370140.1 and 2 more transcripts); c.3364C>T, p.His1122Tyr (NM_001370132.1); c.2713C>T, p.His905Tyr (NM_001370133.1); c.2317C>T, p.His773Tyr (NM_001370134.1); c.2059C>T, p.His687Tyr (NM_001370135.1); c.4402C>T, p.His1468Tyr (NM_001370136.1, NM_001370137.1); c.3337C>T, p.His1113Tyr (NM_001370143.1, NM_001370144.1); short protein forms H1113Y, H1122Y, H1176Y, H1285Y, H1468Y, H687Y, H773Y, H905Y.
Identifiers: ClinVar variation 1715026 (VCV001715026.6), dbSNP rs2549201975, ClinGen allele CA377296889.
Genomic context (GRCh38, chr10:75,029,226, plus strand): 5'-AGCTTCAAAGAAGTACTGGAAAACCAGGAGACTTTTTTAGACCTTAATGTGCAGCCTGGT[C>T]ACTCGAACCCAGAGGTCTTAATGGACTGTGGCGTCGACCTGACAGCTTCTTGTAACAGTG-3'
Protein context (NP_036462.2, residues 1458-1478): TFLDLNVQPG[His1468Tyr]SNPEVLMDCG